The following is an entry in ClinVar:

NM_001367624.2(ZNF469):c.1091C>T (p.Ala364Val)

Gene: ZNF469 (zinc finger protein 469; plus strand). Cytogenetic location: 16q24.2.
Variant type: single nucleotide variant.
Coding change: c.1091C>T on transcript NM_001367624.2 (MANE Select); coding-DNA position 1091, C replaced by T.
Protein change: p.Ala364Val; replaces alanine 364 with valine.
Molecular consequence: missense variant.
Genome position (GRCh38, 1-based): chr16:88,428,561, C>T. VCF-style: chr16-88428561-C-T. GRCh37 (hg19) VCF-style: chr16-88494969-C-T.
Other names: NM_001127464.1:c.1091C>T; NM_001127464.2:c.1091C>T; short protein forms A364V.
Identifiers: ClinVar variation 2194370 (VCV002194370.6), dbSNP rs1222721606, ClinGen allele CA397063117.

ClinVar aggregate classification (germline): Uncertain significance. Review status: criteria provided, multiple submitters, no conflicts (2 of 4 stars). 4 submissions from 4 submitters: Uncertain significance (4). Last evaluated 2025-12-30.

Conditions:
Cardiovascular phenotype. Identifiers: MedGen CN230736.
ZNF469-related disorder. Also called: ZNF469-related condition.

Allele frequency attached by ClinVar (database versions not stated): gnomAD 0.00001; gnomAD exomes 0.00001; TOPMed 0.00005.
gnomAD v4.1: 20 of 1,549,974 alleles (0.0013%); highest among the groups gnomAD compares: African/African-American, 0.0041%; no homozygotes.

Submissions (4):

Women's Health and Genetics/Laboratory Corporation of America, LabCorp
Classification: Uncertain significance. Last evaluated: 2025-12-30. Review status: criteria provided, single submitter. Criteria: LabCorp Variant Classification Summary - May 2015. Collection method: clinical testing. Allele origin: germline.
Comment: Variant summary: ZNF469 c.1091C>T (p.Ala364Val) results in a non-conservative amino acid change in the encoded protein sequence. Algorithms developed to predict the effect of missense changes on protein structure and function are either unavailable or do not agree on the potential impact of this missense change. The variant allele was found at a frequency of 1.3e-05 in 149394 control chromosomes. The available data on variant occurrences in the general population are insufficient to allow any conclusion about variant significance. To our knowledge, no occurrence of c.1091C>T in individuals affected with ZNF469-related conditions and no experimental evidence demonstrating its impact on protein function have been reported. ClinVar contains an entry for this variant (Variation ID: 2194370). Based on the evidence outlined above, the variant was classified as uncertain significance.

PreventionGenetics, part of Exact Sciences
Classification: Uncertain significance for ZNF469-related condition. Last evaluated: 2025-11-30. Review status: criteria provided, single submitter. Criteria: ACMG Guidelines, 2015. Collection method: clinical testing. Allele origin: germline.
Comment: The ZNF469 c.1091C>T variant is predicted to result in the amino acid substitution p.Ala364Val. To our knowledge, this variant has not been reported in the literature. This variant is reported in 0.014% of alleles in individuals of African descent in gnomAD. At this time, the clinical significance of this variant is uncertain due to the absence of conclusive functional and genetic evidence.

Ambry Genetics
Classification: Uncertain significance for Cardiovascular phenotype. Last evaluated: 2025-06-08. Review status: criteria provided, single submitter. Criteria: Ambry Variant Classification Scheme 2023. Collection method: clinical testing. Allele origin: germline.

Labcorp Genetics (formerly Invitae), Labcorp
Classification: Uncertain significance. Last evaluated: 2022-06-26. Review status: criteria provided, single submitter. Criteria: Invitae Variant Classification Sherloc (09022015). Collection method: clinical testing. Allele origin: germline.
Comment: This sequence change replaces alanine, which is neutral and non-polar, with valine, which is neutral and non-polar, at codon 364 of the ZNF469 protein (p.Ala364Val). This variant is present in population databases (no rsID available, gnomAD 0.01%). This variant has not been reported in the literature in individuals affected with ZNF469-related conditions. Algorithms developed to predict the effect of missense changes on protein structure and function output the following: SIFT: "Tolerated"; PolyPhen-2: "Benign"; Align-GVGD: "Class C0". The valine amino acid residue is found in multiple mammalian species, which suggests that this missense change does not adversely affect protein function. In summary, the available evidence is currently insufficient to determine the role of this variant in disease. Therefore, it has been classified as a Variant of Uncertain Significance.